The following is an entry in ClinVar:

ClinVar aggregate classification (germline): Uncertain significance (1 of 4 stars; one submission).

Submission:

Women's Health and Genetics/Laboratory Corporation of America, LabCorp
Classification: Uncertain significance. Last evaluated: 2025-02-10. Review status: criteria provided, single submitter. Criteria: LabCorp Variant Classification Summary - May 2015. Collection method: clinical testing. Allele origin: germline.
Comment: Variant summary: PRDM16 c.3146G>A (p.Gly1049Glu) results in a non-conservative amino acid change in the encoded protein sequence. Four of five in-silico tools predict a damaging effect of the variant on protein function. The variant was absent in 249358 control chromosomes (gnomAD). The available data on variant occurrences in the general population are insufficient to allow any conclusion about variant significance. To our knowledge, no occurrence of c.3146G>A in individuals affected with Cardiomyopathy and no experimental evidence demonstrating its impact on protein function have been reported. No submitters have cited clinical-significance assessments for this variant to ClinVar. Based on the evidence outlined above, the variant was classified as uncertain significance.

NM_022114.4(PRDM16):c.3146G>A (p.Gly1049Glu)

Gene: PRDM16 (PR/SET domain 16; plus strand). Cytogenetic location: 1p36.32.
Variant type: single nucleotide variant.
Coding change: c.3146G>A on transcript NM_022114.4 (MANE Select); coding-DNA position 3146, G replaced by A.
Protein change: p.Gly1049Glu; replaces glycine 1049 with glutamic acid.
Molecular consequence: missense variant.
Genome position (GRCh38, 1-based): chr1:3,426,087, G>A. VCF-style: chr1-3426087-G-A. GRCh37 (hg19) VCF-style: chr1-3342651-G-A.
Other names: c.3146G>A, p.Gly1049Glu (NM_199454.3); short protein forms G1049E.
Identifiers: ClinVar variation 3768667 (VCV003768667.1).